The following is an entry in ClinVar:

ClinVar aggregate classification (germline): Pathogenic (0 of 4 stars; one submission).

Conditions:
3-M syndrome. Also called: 3M SYNDROME; Three M syndrome; 3-MSBN; Three-M slender-boned nanism. Identifiers: Orphanet 2616, MedGen C1848862, MONDO:0007477.

Submission:

Cytogenetics and Molecular Genetics Section, Pathology Unit, BARC Hospital, Bhabha Atomic Research Centre
Classification: Pathogenic for 3-M syndrome. Last evaluated: 2016-10-14. Review status: no assertion criteria provided. Collection method: clinical testing. Allele origin: inherited. Inheritance: Autosomal recessive inheritance. Affected: yes. Observed: 2 variant alleles, 2 homozygotes.
Comment: This 2 bp deletion causes a synonymous frameshift mutation at the 981st amino acid causing insertion of 31 missense amino acids and finally leading to a premature truncated product of size 1012 amino acids (p.Leu981Leufs*32). The wild type protein product has 1698 amino acids. This truncation causes loss of whole Cullin and neddylation domain.

Literature cited by the submitters: PubMed 30945686.

NM_014780.5(CUL7):c.2943_2944del (p.Cys982fs)

Gene: CUL7 (cullin 7; minus strand). Cytogenetic location: 6p21.1.
Variant type: Microsatellite.
Coding change: c.2943_2944del on transcript NM_014780.5 (MANE Select); coding-DNA positions 2943 to 2944, 2 bases deleted (CT; older notation c.2943_2944delCT).
Protein change: p.Cys982fs; shifts the reading frame from cysteine 982.
Molecular consequence: frameshift variant.
Genome position (GRCh38, 1-based): chr6:43,045,321-43,045,322, AG deleted on the plus strand (CT on the coding strand, the reverse complement: CUL7 is on the minus strand); deleting any 2 consecutive bases within chr6:43,045,321-43,045,324 gives the same sequence; the c. name uses the placement nearest the transcript's 3' end. VCF-style (leftmost placement, unchanged base first): chr6-43045320-CAG-C. GRCh37 (hg19) VCF-style: chr6-43013058-CAG-C.
Other names: c.2943_2944delCT (NM_014780.4); c.3039_3040del, p.Cys1014fs (NM_001168370.2, NM_001374872.1); c.2943_2944del, p.Cys982fs (NM_001374873.1, NM_001374874.1); short protein forms C982fs, C1014fs.
Identifiers: ClinVar variation 425545 (VCV000425545.5), dbSNP rs1064792895, ClinGen allele CA16621906.